The following is an entry in ClinVar:

ClinVar aggregate classification (germline): Pathogenic/Likely pathogenic. Review status: criteria provided, multiple submitters, no conflicts (2 of 4 stars). 3 submissions from 3 submitters: Pathogenic (1); Likely pathogenic (2). Last evaluated 2025-01-29.

Conditions:
Dilated cardiomyopathy 1G (CMD1G). Identifiers: Orphanet 154, MedGen C1858763, MONDO:0011400, OMIM 604145.
Autosomal recessive limb-girdle muscular dystrophy type 2J (LGMDR10). Also called: Limb-girdle muscular dystrophy, type 2J; MUSCULAR DYSTROPHY, LIMB-GIRDLE, AUTOSOMAL RECESSIVE 10. Identifiers: Orphanet 140922, MedGen C1837342, MONDO:0012127, OMIM 608807.
Cardiovascular phenotype. Identifiers: MedGen CN230736.

Submissions (3):

Ambry Genetics
Classification: Likely pathogenic for Cardiovascular phenotype. Last evaluated: 2025-01-29. Review status: criteria provided, single submitter. Criteria: Ambry Variant Classification Scheme 2023. Collection method: clinical testing. Allele origin: germline.
Comment: The c.37202-2delA intronic pathogenic mutation results from a deletion of one nucleotide at position c.37202-2 and involves the canonical splice acceptor site before coding exon 136 of the TTN gene. Exon 136 is located in the A-band region of the N2-B isoform of the titin protein and is constitutively expressed in TTN transcripts (percent spliced in or PSI 100%). This variant (referred to as NM_001267550.1:c.64397-2del) co-occurred with a second TTN variant in an individual with skeletal myopathy (Savarese M. et al. Genet Med. 2020 Dec;22(12):2029-2040). This nucleotide position is highly conserved in available vertebrate species. In silico splice site analysis predicts that this alteration will weaken the native splice acceptor site and will result in the creation or strengthening of a novel splice acceptor site. This variant is considered to be rare based on population cohorts in the Genome Aggregation Database (gnomAD). This alteration disrupts the canonical splice site and is expected to cause aberrant splicing, resulting in an abnormal protein or a transcript that is subject to nonsense-mediated mRNA decay. While loss of function variants in TTN are present in 1-3% of the general population, truncating variants (a category that includes canonical splice site variants) in the A-band are the most common cause of dilated cardiomyopathy (DCM) (Herman DS et al. N. Engl. J. Med., 2012 Feb;366:619-28; Roberts AM et al. Sci Transl Med, 2015 Jan;7:270ra6). TTN truncating variants encoded in constitutive exons (PSI >90%) have been found to be significantly associated with DCM regardless of their position in titin (Schafer S et al. Nat. Genet., 2017 01;49:46-53). Based on the majority of available evidence to date, this variant is likely to be pathogenic.

Labcorp Genetics (formerly Invitae), Labcorp
Classification: Pathogenic for Dilated cardiomyopathy 1G; Autosomal recessive limb-girdle muscular dystrophy type 2J. Last evaluated: 2024-07-16. Review status: criteria provided, single submitter. Criteria: Invitae Variant Classification Sherloc (09022015). Collection method: clinical testing. Allele origin: germline.
Comment: This sequence change affects a splice site in intron 308 of the TTN gene. It is expected to disrupt RNA splicing and likely results in a truncated or disrupted TTN protein. This variant is not present in population databases (gnomAD no frequency). Disruption of this splice site has been observed in individual(s) with autosomal recessive centronuclear myopathy (PMID: 32778822). In at least one individual the data is consistent with being in trans (on the opposite chromosome) from a pathogenic variant. ClinVar contains an entry for this variant (Variation ID: 2576904). Algorithms developed to predict the effect of sequence changes on RNA splicing suggest that this variant may disrupt the consensus splice site. This variant is located in the A band of TTN (PMID: 25589632). Truncating variants in this region are significantly overrepresented in patients affected with dilated cardiomyopathy (PMID: 25589632). Truncating variants in this region have also been reported in individuals affected with autosomal recessive centronuclear myopathy (PMID: 23975875). For these reasons, this variant has been classified as Pathogenic.

GeneDx
Classification: Likely pathogenic. Last evaluated: 2023-02-17. Review status: criteria provided, single submitter. Criteria: GeneDx Variant Classification Process June 2021. Collection method: clinical testing. Allele origin: germline. Affected: yes.
Comment: Canonical splice site variant expected to result in aberrant splicing, although in the absence of functional evidence the actual effect of this sequence change is unknown.; Located in the A-band region of TTN in which the majority of loss of function variants have been associated with autosomal dominant titinopathies (Herman et al., 2012); Not observed at significant frequency in large population cohorts (gnomAD); This variant is associated with the following publications: (PMID: 22335739, 32778822)

Literature cited by the submitters: PubMed 32778822 (cited by Labcorp Genetics (formerly Invitae), Labcorp); PubMed 25589632 (cited by Labcorp Genetics (formerly Invitae), Labcorp); PubMed 23975875 (cited by Labcorp Genetics (formerly Invitae), Labcorp).

NM_001267550.2(TTN):c.64397-2del

Genes: TTN-AS1 (TTN antisense RNA 1; plus strand), TTN (titin; minus strand). Cytogenetic location: 2q31.2.
Variant type: Deletion.
Coding change: c.64397-2del on transcript NM_001267550.2 (MANE Select); the canonical splice acceptor site of the intron before coding-DNA position 64397, one base deleted (A; older notation c.64397-2delA).
Molecular consequence: splice acceptor variant.
Genome position (GRCh38, 1-based): chr2:178,585,349, T deleted on the plus strand (A on the coding strand, the reverse complement: TTN is on the minus strand). VCF-style (leftmost placement, unchanged base first): chr2-178585348-CT-C. GRCh37 (hg19) VCF-style: chr2-179450075-CT-C.
Other names: c.37202-2del (NM_003319.4); c.37778-2del (NM_133437.4); c.37577-2del (NM_133432.3); c.56693-2del (NM_133378.4); c.59474-2del (NM_001256850.1); c.37202-2delA (NM_003319.4).
Identifiers: ClinVar variation 2576904 (VCV002576904.5), dbSNP rs2469181316, ClinGen allele CA2577170740.